The following is an entry in ClinVar:

NM_001267550.2(TTN):c.104457C>T (p.Tyr34819=)

Genes: TTN (titin; minus strand), TTN-AS1 (TTN antisense RNA 1; plus strand). Cytogenetic location: 2q31.2.
Variant type: single nucleotide variant.
Coding change: c.104457C>T on transcript NM_001267550.2 (MANE Select); coding-DNA position 104457, C replaced by T.
Protein change: p.Tyr34819=; no amino-acid change (tyrosine 34819 retained).
Molecular consequence: synonymous variant.
Genome position (GRCh38, 1-based): chr2:178,532,158, G>A on the plus strand (C>T on the coding strand, the complement: TTN is on the minus strand). VCF-style: chr2-178532158-G-A. GRCh37 (hg19) VCF-style: chr2-179396885-G-A.
Other names: p.Y32251Y:TAC>TAT; c.99534C>T, p.Tyr33178= (NM_001256850.1); c.77262C>T, p.Tyr25754= (NM_003319.4); c.96753C>T, p.Tyr32251= (NM_133378.4); c.77637C>T, p.Tyr25879= (NM_133432.3); c.77838C>T, p.Tyr25946= (NM_133437.4).
Identifiers: ClinVar variation 137819 (VCV000137819.43), dbSNP rs548677252, ClinGen allele CA291495.

ClinVar aggregate classification (germline): Conflicting classifications of pathogenicity. Review status: criteria provided, conflicting classifications (1 of 4 stars). 8 submissions from 8 submitters: Uncertain significance (1); Benign (1); Likely benign (6). Last evaluated 2026-03-13.

Conditions:
TTN-related disorder. Also called: TTN-related disorders; TTN-related condition; TTN-related disease.
Cardiovascular phenotype. Identifiers: MedGen CN230736.
Dilated cardiomyopathy 1G (CMD1G). Identifiers: Orphanet 154, MedGen C1858763, MONDO:0011400, OMIM 604145.
Autosomal recessive limb-girdle muscular dystrophy type 2J (LGMDR10). Also called: Limb-girdle muscular dystrophy, type 2J; MUSCULAR DYSTROPHY, LIMB-GIRDLE, AUTOSOMAL RECESSIVE 10. Identifiers: Orphanet 140922, MedGen C1837342, MONDO:0012127, OMIM 608807.
Cardiomyopathy (CMYO). Also called: Cardiomyopathies. Identifiers: Orphanet 167848, MedGen C0878544, MONDO:0004994, HP:0001638. Inheritance: Various modes of inheritance.

Allele frequency attached by ClinVar (database versions not stated): 1000 Genomes Project 30x 0.00016; gnomAD 0.00001 and 0.00003; 1000 Genomes Project 0.00020; TOPMed 0.00001; gnomAD exomes 0.00005; ExAC 0.00008.
gnomAD v4.1: 79 of 1,613,698 alleles (0.0049%); highest among the groups gnomAD compares: South Asian, 0.049%; no homozygotes.

Submissions (8):

Women's Health and Genetics/Laboratory Corporation of America, LabCorp
Classification: Likely benign. Last evaluated: 2026-03-13. Review status: criteria provided, single submitter. Criteria: LabCorp Variant Classification Summary - May 2015. Collection method: clinical testing. Allele origin: germline.

Labcorp Genetics (formerly Invitae), Labcorp
Classification: Likely benign for Dilated cardiomyopathy 1G; Autosomal recessive limb-girdle muscular dystrophy type 2J. Last evaluated: 2026-02-03. Review status: criteria provided, single submitter. Criteria: Invitae Variant Classification Sherloc (09022015). Collection method: clinical testing. Allele origin: germline.

PreventionGenetics, part of Exact Sciences
Classification: Likely benign for TTN-related condition. Last evaluated: 2025-12-16. Review status: criteria provided, single submitter. Criteria: ACMG Guidelines, 2015. Collection method: clinical testing. Allele origin: germline.
Comment: This variant is classified as likely benign based on ACMG/AMP sequence variant interpretation guidelines (Richards et al. 2015 PMID: 25741868, with internal and published modifications).

CeGaT Center for Human Genetics Tuebingen
Classification: Likely benign. Last evaluated: 2025-01-01. Review status: criteria provided, single submitter. Criteria: CeGaT Center For Human Genetics Tuebingen Variant Classification Criteria Version 2. Collection method: clinical testing. Allele origin: germline. Affected: yes. Observed: 2 variant alleles.
Comment: TTN: BP4, BP7

Ambry Genetics
Classification: Likely benign for Cardiovascular phenotype. Last evaluated: 2021-08-26. Review status: criteria provided, single submitter. Criteria: Ambry Variant Classification Scheme 2023. Collection method: clinical testing. Allele origin: germline.

CHEO Genetics Diagnostic Laboratory, Children's Hospital of Eastern Ontario
Classification: Likely benign for Cardiomyopathy. Last evaluated: 2020-03-17. Review status: criteria provided, single submitter. Criteria: ACMG Guidelines, 2015. Collection method: clinical testing. Allele origin: germline.

Eurofins Ntd Llc (ga)
Classification: Uncertain significance. Last evaluated: 2017-08-17. Review status: criteria provided, single submitter. Criteria: EGL Classification Definitions 2015. Collection method: clinical testing. Allele origin: germline. Observed: 2 variant alleles, 1 heterozygote, 1 homozygote.

GeneDx
Classification: Benign. Last evaluated: 2014-04-27. Review status: criteria provided, single submitter. Criteria: GeneDx Variant Classification (06012015). Collection method: clinical testing. Allele origin: germline. Affected: yes.
Comment: This variant is considered likely benign or benign based on one or more of the following criteria: it is a conservative change, it occurs at a poorly conserved position in the protein, it is predicted to be benign by multiple in silico algorithms, and/or has population frequency not consistent with disease.